The following is an entry in ClinVar:

ClinVar aggregate classification (germline): Uncertain significance. Review status: criteria provided, multiple submitters, no conflicts (2 of 4 stars). 2 submissions from 2 submitters: Uncertain significance (2). Last evaluated 2024-08-12.

Conditions:
Hereditary cancer-predisposing syndrome. Also called: Hereditary Cancer Syndrome; Tumor predisposition; Neoplastic Syndromes, Hereditary; Hereditary neoplastic syndrome. Identifiers: Orphanet 140162, MedGen C0027672, MeSH D009386, MONDO:0015356.
Tuberous sclerosis 2 (TSC2). Identifiers: Orphanet 805, MedGen C1860707, MONDO:0013199, OMIM 613254.

Submissions (2):

Labcorp Genetics (formerly Invitae), Labcorp
Classification: Uncertain significance for Tuberous sclerosis 2. Last evaluated: 2024-08-12. Review status: criteria provided, single submitter. Criteria: Invitae Variant Classification Sherloc (09022015). Collection method: clinical testing. Allele origin: germline.
Comment: This sequence change replaces valine, which is neutral and non-polar, with leucine, which is neutral and non-polar, at codon 1790 of the TSC2 protein (p.Val1790Leu). This variant is not present in population databases (gnomAD no frequency). This variant has not been reported in the literature in individuals affected with TSC2-related conditions. Advanced modeling of protein sequence and biophysical properties (such as structural, functional, and spatial information, amino acid conservation, physicochemical variation, residue mobility, and thermodynamic stability) performed at Invitae indicates that this missense variant is not expected to disrupt TSC2 protein function with a negative predictive value of 95%. In summary, the available evidence is currently insufficient to determine the role of this variant in disease. Therefore, it has been classified as a Variant of Uncertain Significance.

Ambry Genetics
Classification: Uncertain significance for Hereditary cancer-predisposing syndrome. Last evaluated: 2023-10-25. Review status: criteria provided, single submitter. Criteria: Ambry Variant Classification Scheme 2023. Collection method: clinical testing. Allele origin: germline.
Comment: The p.V1790L variant (also known as c.5368G>C), located in coding exon 41 of the TSC2 gene, results from a G to C substitution at nucleotide position 5368. The valine at codon 1790 is replaced by leucine, an amino acid with highly similar properties. This amino acid position is conserved. In addition, the in silico prediction for this alteration is inconclusive. Since supporting evidence is limited at this time, the clinical significance of this alteration remains unclear.

NM_000548.5(TSC2):c.5368G>C (p.Val1790Leu)

Gene: TSC2 (TSC complex subunit 2; plus strand). Cytogenetic location: 16p13.3.
Variant type: single nucleotide variant.
Coding change: c.5368G>C on transcript NM_000548.5 (MANE Select); coding-DNA position 5368, G replaced by C.
Protein change: p.Val1790Leu; replaces valine 1790 with leucine.
Molecular consequence: missense variant. On other transcripts: non-coding transcript variant (5).
Genome position (GRCh38, 1-based): chr16:2,088,554, G>C. VCF-style: chr16-2088554-G-C. GRCh37 (hg19) VCF-style: chr16-2138555-G-C.
Other names: c.5296G>C, p.Val1766Leu (NM_001406664.1); c.5290G>C, p.Val1764Leu (NM_001406665.1); c.5260G>C, p.Val1754Leu (NM_001406667.1); c.5257G>C, p.Val1753Leu (NM_001406668.1); c.5188G>C, p.Val1730Leu (NM_001406670.1); c.5158G>C, p.Val1720Leu (NM_001406671.1); c.5155G>C, p.Val1719Leu (NM_001406673.1); c.5152G>C, p.Val1718Leu (NM_001406675.1); and 27 more; short protein forms V1189L, V1275L, V1276L, V1298L, V1299L, V1319L, V1523L, V1524L.
Identifiers: ClinVar variation 3232193 (VCV003232193.3), dbSNP rs200140994, ClinGen allele CA394315911.